The following is an entry in ClinVar:

NM_000037.4(ANK1):c.657del (p.Asn220fs)

Gene: ANK1 (ankyrin 1; minus strand). Cytogenetic location: 8p11.21.
Variant type: Deletion.
Coding change: c.657del on transcript NM_000037.4 (MANE Select); coding-DNA position 657, one base deleted (C; older notation c.657delC).
Protein change: p.Asn220fs; shifts the reading frame from asparagine 220.
Molecular consequence: frameshift variant.
Genome position (GRCh38, 1-based): chr8:41,724,510, G deleted on the plus strand (C on the coding strand, the reverse complement: ANK1 is on the minus strand). VCF-style (leftmost placement, unchanged base first): chr8-41724509-TG-T. GRCh37 (hg19) VCF-style: chr8-41582027-TG-T.
Other names: c.756del, p.Asn253fs (NM_001142446.2); c.657del, p.Asn220fs (NM_020475.3, NM_020476.3, NM_020477.3); short protein forms N253fs, N220fs.
Identifiers: ClinVar variation 4725823 (VCV004725823.1).
Genomic context (GRCh38, chr8:41,724,509, plus strand): 5'-GGGTTACCTGTGGTGTGAAATTGACGCTGGCTCCTCTGTTGAGGAGCAACTGGGCCACGT[TG>T]AGGTTCTCGTAGTGAGCCGCAATGTGCAGGGGCGTGAATCCCGTCTGGGGCACAACAGAG-3'

ClinVar aggregate classification (germline): Pathogenic (1 of 4 stars; one submission).

Submission:

Labcorp Genetics (formerly Invitae), Labcorp
Classification: Pathogenic. Last evaluated: 2025-08-21. Review status: criteria provided, single submitter. Criteria: Invitae Variant Classification Sherloc (09022015). Collection method: clinical testing. Allele origin: germline.
Comment: This sequence change creates a premature translational stop signal (p.Asn220Thrfs*33) in the ANK1 gene. It is expected to result in an absent or disrupted protein product. Loss-of-function variants in ANK1 are known to be pathogenic (PMID: 8640229). This variant is not present in population databases (gnomAD no frequency). This variant has not been reported in the literature in individuals affected with ANK1-related conditions. For these reasons, this variant has been classified as Pathogenic.

Literature cited by the submitters: PubMed 8640229.